The following is an entry in ClinVar:

ClinVar aggregate classification (germline): Benign (0 of 4 stars; one submission).

Conditions:
KCNJ12-related disorder. Also called: KCNJ12-related condition.

Allele frequency attached by ClinVar (database versions not stated): ExAC 0.22844.

Submission:

PreventionGenetics, part of Exact Sciences
Classification: Benign for KCNJ12-related condition. Last evaluated: 2019-11-01. Review status: no assertion criteria provided. Collection method: clinical testing. Allele origin: germline.
Comment: This variant is classified as benign based on ACMG/AMP sequence variant interpretation guidelines (Richards et al. 2015 PMID: 25741868, with internal and published modifications).

NM_021012.5(KCNJ12):c.258C>A (p.Ile86=)

Gene: KCNJ12 (potassium inwardly rectifying channel subfamily J member 12; plus strand). Cytogenetic location: 17p11.2.
Variant type: single nucleotide variant.
Coding change: c.258C>A on transcript NM_021012.5 (MANE Select); coding-DNA position 258, C replaced by A.
Protein change: p.Ile86=; no amino-acid change (isoleucine 86 retained).
Molecular consequence: synonymous variant.
Genome position (GRCh38, 1-based): chr17:21,415,600, C>A. VCF-style: chr17-21415600-C-A. GRCh37 (hg19) VCF-style: chr17-21318912-C-A.
Identifiers: ClinVar variation 3058999 (VCV003058999.2), dbSNP rs35011501, ClinGen allele CA8451053.